The following is an entry in ClinVar:

NM_001271.4(CHD2):c.2949G>A (p.Leu983=)

Genes: CHD2 (chromodomain helicase DNA binding protein 2; plus strand), LOC126862230 (P300/CBP strongly-dependent group 1 enhancer GRCh37_chr15:93523977-93525176; plus strand). Cytogenetic location: 15q26.1.
Variant type: single nucleotide variant.
Coding change: c.2949G>A on transcript NM_001271.4 (MANE Select); coding-DNA position 2949, G replaced by A.
Protein change: p.Leu983=; no amino-acid change (leucine 983 retained).
Molecular consequence: synonymous variant.
Genome position (GRCh38, 1-based): chr15:92,980,887, G>A. VCF-style: chr15-92980887-G-A. GRCh37 (hg19) VCF-style: chr15-93524117-G-A.
Identifiers: ClinVar variation 2998040 (VCV002998040.10), dbSNP rs749002158, ClinGen allele CA7748100.

ClinVar aggregate classification (germline): Benign/Likely benign. Review status: criteria provided, multiple submitters, no conflicts (2 of 4 stars). 3 submissions from 3 submitters: Benign (1); Likely benign (2). Last evaluated 2025-10-01.

Conditions:
Developmental and epileptic encephalopathy 94 (DEE94). Also called: Epileptic encephalopathy, childhood-onset; CHD2-Related Neurodevelopmental Disorders. Identifiers: Orphanet 1942, Orphanet 2382, MedGen C3809278, MONDO:0014150, OMIM 615369.

Allele frequency attached by ClinVar (database versions not stated): gnomAD 0.00001; TOPMed 0.00001; gnomAD exomes 0.00002; ExAC 0.00003.

Submissions (3):

CeGaT Center for Human Genetics Tuebingen
Classification: Likely benign. Last evaluated: 2025-10-01. Review status: criteria provided, single submitter. Criteria: CeGaT Center For Human Genetics Tuebingen Variant Classification Criteria Version 2. Collection method: clinical testing. Allele origin: germline. Affected: yes. Observed: 1 variant allele.
Comment: CHD2: BP4, BP7

Blueprint Genetics
Classification: Likely benign. Last evaluated: 2023-11-09. Review status: criteria provided, single submitter. Criteria: ACMG Guidelines, 2015. Collection method: clinical testing. Allele origin: germline.

Labcorp Genetics (formerly Invitae), Labcorp
Classification: Benign for Developmental and epileptic encephalopathy 94. Last evaluated: 2023-02-16. Review status: criteria provided, single submitter. Criteria: Invitae Variant Classification Sherloc (09022015). Collection method: clinical testing. Allele origin: germline.